The following is an entry in ClinVar:

NM_001360.3(DHCR7):c.579C>G (p.Thr193=)

Gene: DHCR7 (7-dehydrocholesterol reductase; minus strand). Cytogenetic location: 11q13.4.
Variant type: single nucleotide variant.
Coding change: c.579C>G on transcript NM_001360.3 (MANE Select); coding-DNA position 579, C replaced by G.
Protein change: p.Thr193=; no amino-acid change (threonine 193 retained).
Molecular consequence: synonymous variant.
Genome position (GRCh38, 1-based): chr11:71,441,274, G>C on the plus strand (C>G on the coding strand, the complement: DHCR7 is on the minus strand). VCF-style: chr11-71441274-G-C. GRCh37 (hg19) VCF-style: chr11-71152320-G-C.
Other names: c.579C>G, p.Thr193= (NM_001163817.2).
Identifiers: ClinVar variation 767528 (VCV000767528.12), dbSNP rs778664009, ClinGen allele CA224279765.
Genomic context (GRCh38, chr11:71,441,274, plus strand): 5'-GCTAAGAACATACCAGTCTCTGGCGCTGGTGGGGAAGAAGTAGCCCTTGACCATGGCGAA[G>C]GTGGAGACGGCATAGCCAAGGATGTTGGCGCACCACAGCAGTGGGATCCAGTTGTCGAAG-3'
Protein context (NP_001351.2, residues 183-203): CANILGYAVS[Thr193=]FAMVKGYFFP

ClinVar aggregate classification (germline): Likely benign. Review status: criteria provided, single submitter (1 of 4 stars). 2 submissions from 2 submitters: Likely benign (1). 1 of the submissions does not count toward it. Last evaluated 2024-10-13.

Conditions:
DHCR7-related disorder. Also called: DHCR7-related condition.
Smith-Lemli-Opitz syndrome (SLOS). Also called: LETHAL ACRODYSGENITAL SYNDROME; 7-Dehydrocholesterol reductase deficiency; POLYDACTYLY, SEX REVERSAL, RENAL HYPOPLASIA, AND UNILOBAR LUNG; RSH SYNDROME; RUTLEDGE LETHAL MULTIPLE CONGENITAL ANOMALY SYNDROME. Identifiers: Orphanet 818, MedGen C0175694, MONDO:0010035, OMIM 270400.

Allele frequency attached by ClinVar (database versions not stated): gnomAD 0.00001; TOPMed 0.00003.

Submissions (2):

Labcorp Genetics (formerly Invitae), Labcorp
Classification: Likely benign for Smith-Lemli-Opitz syndrome. Last evaluated: 2024-10-13. Review status: criteria provided, single submitter. Criteria: Invitae Variant Classification Sherloc (09022015). Collection method: clinical testing. Allele origin: germline.

PreventionGenetics, part of Exact Sciences
Classification: Likely benign for DHCR7-related condition. Last evaluated: 2022-04-07. Review status: no assertion criteria provided. Collection method: clinical testing. Allele origin: germline. Not counted in ClinVar's aggregate classification.
Comment: This variant is classified as likely benign based on ACMG/AMP sequence variant interpretation guidelines (Richards et al. 2015 PMID: 25741868, with internal and published modifications).